The following is an entry in ClinVar:

NM_001943.5(DSG2):c.349C>A (p.Leu117Ile)

Gene: DSG2 (desmoglein 2; plus strand). Cytogenetic location: 18q12.1.
Variant type: single nucleotide variant.
Coding change: c.349C>A on transcript NM_001943.5 (MANE Select); coding-DNA position 349, C replaced by A.
Protein change: p.Leu117Ile; replaces leucine 117 with isoleucine.
Molecular consequence: missense variant.
Genome position (GRCh38, 1-based): chr18:31,520,935, C>A. VCF-style: chr18-31520935-C-A. GRCh37 (hg19) VCF-style: chr18-29100898-C-A.
Other names: short protein forms L117I.
Identifiers: ClinVar variation 2749274 (VCV002749274.3), dbSNP rs2510910869, ClinGen allele CA402131628.

ClinVar aggregate classification (germline): Uncertain significance (1 of 4 stars; one submission).

Conditions:
Arrhythmogenic right ventricular dysplasia 10. Also called: Arrhythmogenic Right Ventricular Dysplasia/Cardiomyopathy10; ARRHYTHMOGENIC RIGHT VENTRICULAR DYSPLASIA, FAMILIAL, 10; Arrhythmogenic right ventricular dysplasia/cardiomyopathy, type 10. Identifiers: MedGen C1857777, MONDO:0012434, OMIM 610193.

Submission:

Labcorp Genetics (formerly Invitae), Labcorp
Classification: Uncertain significance for Arrhythmogenic right ventricular dysplasia 10. Last evaluated: 2023-08-02. Review status: criteria provided, single submitter. Criteria: Invitae Variant Classification Sherloc (09022015). Collection method: clinical testing. Allele origin: germline.
Comment: Advanced modeling of protein sequence and biophysical properties (such as structural, functional, and spatial information, amino acid conservation, physicochemical variation, residue mobility, and thermodynamic stability) performed at Invitae indicates that this missense variant is not expected to disrupt DSG2 protein function. This variant is not present in population databases (gnomAD no frequency). This variant has not been reported in the literature in individuals affected with DSG2-related conditions. In summary, the available evidence is currently insufficient to determine the role of this variant in disease. Therefore, it has been classified as a Variant of Uncertain Significance. This sequence change replaces leucine, which is neutral and non-polar, with isoleucine, which is neutral and non-polar, at codon 117 of the DSG2 protein (p.Leu117Ile).